The following is an entry in ClinVar:

ClinVar aggregate classification (germline): Likely pathogenic (1 of 4 stars; one submission).

Conditions:
Cardiovascular phenotype. Identifiers: MedGen CN230736.

Submission:

Ambry Genetics
Classification: Likely pathogenic for Cardiovascular phenotype. Last evaluated: 2024-03-25. Review status: criteria provided, single submitter. Criteria: Ambry Variant Classification Scheme 2023. Collection method: clinical testing. Allele origin: germline.
Comment: The c.6719T>G (p.L2240*) alteration, located in exon 29 (coding exon 28) of the TTN gene, consists of a T to G substitution at nucleotide position 6719. This changes the amino acid from a leucine (L) to a stop codon at amino acid position 2240. This alteration is expected to result in loss of function by premature protein truncation or nonsense-mediated mRNA decay. This variant was not reported in population-based cohorts in the Genome Aggregation Database (gnomAD). This exon is located in the I-band region of the N2-B isoform of the titin protein and is constitutively expressed in TTN transcripts (percent spliced in or PSI 100%). Based on the available evidence, this alteration is classified as likely pathogenic.

NM_001267550.2(TTN):c.6857T>G (p.Leu2286Ter)

Genes: TTN (titin; minus strand), LOC126806433 (BRD4-independent group 4 enhancer GRCh37_chr2:179638309-179639508; plus strand). Cytogenetic location: 2q31.2.
Variant type: single nucleotide variant.
Coding change: c.6857T>G on transcript NM_001267550.2 (MANE Select); coding-DNA position 6857, T replaced by G.
Protein change: p.Leu2286Ter; replaces leucine 2286 with a stop codon.
Molecular consequence: nonsense.
Genome position (GRCh38, 1-based): chr2:178,774,407, A>C on the plus strand (T>G on the coding strand, the complement: TTN is on the minus strand). VCF-style: chr2-178774407-A-C. GRCh37 (hg19) VCF-style: chr2-179639134-A-C.
Other names: c.6857T>G, p.Leu2286Ter (NM_001256850.1, NM_133378.4, NM_133379.5); c.6719T>G, p.Leu2240Ter (NM_003319.4, NM_133432.3, NM_133437.4); short protein forms L2286*, L2240*.
Identifiers: ClinVar variation 3330156 (VCV003330156.1).